The following is an entry in ClinVar:

NM_005912.3(MC4R):c.861T>A (p.Tyr287Ter)

Gene: MC4R (melanocortin 4 receptor; minus strand). Cytogenetic location: 18q21.32.
Variant type: single nucleotide variant.
Coding change: c.861T>A on transcript NM_005912.3 (MANE Select); coding-DNA position 861, T replaced by A.
Protein change: p.Tyr287Ter; replaces tyrosine 287 with a stop codon.
Molecular consequence: nonsense.
Genome position (GRCh38, 1-based): chr18:60,371,489, A>T on the plus strand (T>A on the coding strand, the complement: MC4R is on the minus strand). VCF-style: chr18-60371489-A-T. GRCh37 (hg19) VCF-style: chr18-58038722-A-T.
Other names: short protein forms Y287*.
Identifiers: ClinVar variation 14332 (VCV000014332.3), dbSNP rs121917829, ClinGen allele CA210721.

ClinVar aggregate classification (germline): Pathogenic. Review status: criteria provided, single submitter (1 of 4 stars). 2 submissions from 2 submitters: Pathogenic (1). 1 of the submissions does not count toward it. Last evaluated 2018-09-20.

Conditions:
Obesity due to melanocortin 4 receptor deficiency. Identifiers: Orphanet 71529, MedGen C4273958, MONDO:0019115.
BODY MASS INDEX QUANTITATIVE TRAIT LOCUS 20 (BMIQ20). Also called: MELANOCORTIN 4 RECEPTOR DEFICIENCY; MC4R DEFICIENCY. Identifiers: MedGen C4759928, OMIM 618406.

gnomAD v4.1: 1 of 1,614,236 alleles (0.000062%); highest among the groups gnomAD compares: South Asian, 0.0011%; no homozygotes.

Submissions (2):

Laboratory for Molecular Medicine, Mass General Brigham Personalized Medicine
Classification: Pathogenic for Obesity due to melanocortin 4 receptor deficiency. Last evaluated: 2018-09-20. Review status: criteria provided, single submitter. Criteria: ACMG Guidelines, 2015. Collection method: clinical testing. Allele origin: germline. Inheritance: Autosomal dominant inheritance.
Comment: The p.Tyr287X variant in MC4R has been reported in at least 1 homozygous individual with obesity and segregated with disease in 2 heterozygous relatives (Farooqi 2003, Yeo 2003). It was absent from large population studies. This nonsense variant leads to a premature termination codon at position 287. The MC4R protein is encoded by a single exon; therefore, this alteration is more likely to escape nonsense mediated decay (NMD), resulting in a truncated protein that is missing one transmembrane domain and the c-terminal tail. The c-terminal tail contains a peptide signal which is required for targeting the MC4R protein to the plasma membrane, and removal of that peptide results in cytoplasmic retention of the MC4R protein (Ho 1999). In addition, in vitro studies found this variant resulted in a complete loss of protein activity and absent or reduced cell surface expression (Farooqi 2003, Yeo 2003, Xiang 2003). Haploinsufficiency of the MC4R gene is an established disease mechanism in MC4R-related obesity. In summary, this variant meets criteria to be classified as pathogenic for MC4R-related obesity in an autosomal dominant manner. ACMG/AMP Criteria applied: PVS1_Strong, PM2, PM1, PS3_Supporting, PM3_Supporting.

OMIM
Classification: Pathogenic for OBESITY (BMIQ20). Last evaluated: 2003-03-20. Review status: no assertion criteria provided. Collection method: literature only. Allele origin: germline. Not counted in ClinVar's aggregate classification.

Literature cited by the submitters: PubMed 16752916 (cited by Laboratory for Molecular Medicine, Mass General Brigham Personalized Medicine); PubMed 12646665 (cited by Laboratory for Molecular Medicine, Mass General Brigham Personalized Medicine and OMIM); PubMed 12588803 (cited by Laboratory for Molecular Medicine, Mass General Brigham Personalized Medicine and OMIM).